The following is an entry in ClinVar:

ClinVar aggregate classification (germline): Uncertain significance. Review status: criteria provided, multiple submitters, no conflicts (2 of 4 stars). 2 submissions from 2 submitters: Uncertain significance (2). Last evaluated 2025-05-14.

Conditions:
Inborn genetic diseases. Identifiers: MedGen C0950123, MeSH D030342.
Bethlem myopathy 2 (BTHLM2). Identifiers: Orphanet 536516, Orphanet 610, MedGen C4225313, MONDO:0034022, OMIM 616471.
Ullrich congenital muscular dystrophy 2 (UCMD2). Identifiers: Orphanet 75840, MedGen C4225314, MONDO:0014654, OMIM 616470.

Allele frequency attached by ClinVar (database versions not stated): gnomAD 0.00001 and 0.00002; TOPMed 0.00002; gnomAD exomes below 0.00001.
gnomAD v4.1: 7 of 1,609,258 alleles (0.00043%); highest among the groups gnomAD compares: Admixed American, 0.005%; no homozygotes.

Submissions (2):

Ambry Genetics
Classification: Uncertain significance for Inborn genetic diseases. Last evaluated: 2025-05-14. Review status: criteria provided, single submitter. Criteria: Ambry Variant Classification Scheme 2023. Collection method: clinical testing. Allele origin: germline.

Labcorp Genetics (formerly Invitae), Labcorp
Classification: Uncertain significance for Bethlem myopathy 2; Ullrich congenital muscular dystrophy 2. Last evaluated: 2022-01-14. Review status: criteria provided, single submitter. Criteria: Invitae Variant Classification Sherloc (09022015). Collection method: clinical testing. Allele origin: germline.
Comment: In summary, the available evidence is currently insufficient to determine the role of this variant in disease. Therefore, it has been classified as a Variant of Uncertain Significance. Algorithms developed to predict the effect of missense changes on protein structure and function are either unavailable or do not agree on the potential impact of this missense change (SIFT: "Deleterious"; PolyPhen-2: "Probably Damaging"; Align-GVGD: "Class C0"). ClinVar contains an entry for this variant (Variation ID: 864392). This variant has not been reported in the literature in individuals affected with COL12A1-related conditions. This variant is not present in population databases (gnomAD no frequency). This sequence change replaces tyrosine, which is neutral and polar, with histidine, which is basic and polar, at codon 97 of the COL12A1 protein (p.Tyr97His).

NM_004370.6(COL12A1):c.289T>C (p.Tyr97His)

Gene: COL12A1 (collagen type XII alpha 1 chain; minus strand). Cytogenetic location: 6q13.
Variant type: single nucleotide variant.
Coding change: c.289T>C on transcript NM_004370.6 (MANE Select); coding-DNA position 289, T replaced by C.
Protein change: p.Tyr97His; replaces tyrosine 97 with histidine.
Molecular consequence: missense variant. On other transcripts: intron variant (1).
Genome position (GRCh38, 1-based): chr6:75,192,257, A>G on the plus strand (T>C on the coding strand, the complement: COL12A1 is on the minus strand). VCF-style: chr6-75192257-A-G. GRCh37 (hg19) VCF-style: chr6-75901973-A-G.
Other names: c.73+10463T>C (NM_080645.3); short protein forms Y97H.
Identifiers: ClinVar variation 864392 (VCV000864392.11), dbSNP rs1477957297, ClinGen allele CA364730900.
Genomic context (GRCh38, chr6:75,192,257, plus strand): 5'-TATATGTGTGCTTACTTGTTAGTTGTCCTATAACTGGTACACTTTCTTCTACTTCATCAT[A>G]TGAAGTTATTGTCACCACATACTCTGTTTCAGGTACAAGTTCTGACAATAAAGTTTCAGT-3'
Protein context (NP_004361.3, residues 87-107): ETEYVVTITS[Tyr97His]DEVEESVPVI